The following is an entry in ClinVar:

ClinVar aggregate classification (germline): Uncertain significance (1 of 4 stars; one submission).

gnomAD v4.1: 15 of 1,590,104 alleles (0.00094%); highest among the groups gnomAD compares: African/African-American, 0.0027%; no homozygotes.

Submission:

Labcorp Genetics (formerly Invitae), Labcorp
Classification: Uncertain significance. Last evaluated: 2025-10-08. Review status: criteria provided, single submitter. Criteria: Invitae Variant Classification Sherloc (09022015). Collection method: clinical testing. Allele origin: germline.
Comment: This sequence change replaces methionine, which is neutral and non-polar, with isoleucine, which is neutral and non-polar, at codon 411 of the IL23R protein (p.Met411Ile). This variant is present in population databases (rs544186603, gnomAD 0.007%). This variant has not been reported in the literature in individuals affected with IL23R-related conditions. An algorithm developed to predict the effect of missense changes on protein structure and function outputs the following: PolyPhen-2: "Benign". The isoleucine amino acid residue is found in multiple mammalian species, which suggests that this missense change does not adversely affect protein function. In summary, the available evidence is currently insufficient to determine the role of this variant in disease. Therefore, it has been classified as a Variant of Uncertain Significance.

NM_144701.3(IL23R):c.1233G>A (p.Met411Ile)

Gene: IL23R (interleukin 23 receptor; plus strand). Cytogenetic location: 1p31.3.
Variant type: single nucleotide variant.
Coding change: c.1233G>A on transcript NM_144701.3 (MANE Select); coding-DNA position 1233, G replaced by A.
Protein change: p.Met411Ile; replaces methionine 411 with isoleucine.
Molecular consequence: missense variant.
Genome position (GRCh38, 1-based): chr1:67,255,921, G>A. VCF-style: chr1-67255921-G-A. GRCh37 (hg19) VCF-style: chr1-67721604-G-A.
Other names: short protein forms M411I.
Identifiers: ClinVar variation 4699651 (VCV004699651.1).
Genomic context (GRCh38, chr1:67,255,921, plus strand): 5'-AATACCAAAGTGGCTTTATGAAGATATTCCTAATATGAAAAACAGCAATGTTGTGAAAAT[G>A]CTACAGGTAACCTAACATCATCCAACAAAAACTGAGTGGCAATTGAGACCAAGAGTGCAG-3'
Protein context (NP_653302.2, residues 401-421): PNMKNSNVVK[Met411Ile]LQENSELMNN